The following is an entry in ClinVar:

NM_080732.4(EGLN2):c.11C>G (p.Pro4Arg)

Genes: EGLN2 (egl-9 family hypoxia inducible factor 2; plus strand), RAB4B-EGLN2 (RAB4B-EGLN2 readthrough (NMD candidate); plus strand). Cytogenetic location: 19q13.2.
Variant type: single nucleotide variant.
Coding change: c.11C>G on transcript NM_080732.4 (MANE Select); coding-DNA position 11, C replaced by G.
Protein change: p.Pro4Arg; replaces proline 4 with arginine.
Molecular consequence: missense variant. On other transcripts: non-coding transcript variant (1).
Genome position (GRCh38, 1-based): chr19:40,800,583, C>G. VCF-style: chr19-40800583-C-G. GRCh37 (hg19) VCF-style: chr19-41306488-C-G.
Other names: c.11C>G, p.Pro4Arg (NM_053046.4); short protein forms P4R.
Identifiers: ClinVar variation 1747053 (VCV001747053.2), dbSNP rs370789587, ClinGen allele CA405954378.

ClinVar aggregate classification (germline): Uncertain significance (1 of 4 stars; one submission).

gnomAD v4.1: 7 of 1,601,194 alleles (0.00044%); highest among the groups gnomAD compares: Non-Finnish European, 0.0006%; no homozygotes.

Submission:

Ambry Genetics
Classification: Uncertain significance. Last evaluated: 2022-10-27. Review status: criteria provided, single submitter. Criteria: Ambry Variant Classification Scheme 2023. Collection method: clinical testing. Allele origin: germline.
Comment: The p.P4R variant (also known as c.11C>G), located in coding exon 1 of the EGLN2 gene, results from a C to G substitution at nucleotide position 11. The proline at codon 4 is replaced by arginine, an amino acid with dissimilar properties. This amino acid position is conserved. In addition, this alteration is predicted to be tolerated by in silico analysis. Since supporting evidence is limited at this time, the clinical significance of this alteration remains unclear.